The following is an entry in ClinVar:

NM_001365999.1(SZT2):c.3700C>T (p.Arg1234Trp)

Gene: SZT2 (SZT2 subunit of KICSTOR complex; plus strand). Cytogenetic location: 1p34.2.
Variant type: single nucleotide variant.
Coding change: c.3700C>T on transcript NM_001365999.1 (MANE Select); coding-DNA position 3700, C replaced by T.
Protein change: p.Arg1234Trp; replaces arginine 1234 with tryptophan.
Molecular consequence: missense variant.
Genome position (GRCh38, 1-based): chr1:43,427,631, C>T. VCF-style: chr1-43427631-C-T. GRCh37 (hg19) VCF-style: chr1-43893302-C-T.
Other names: c.3529C>T, p.Arg1177Trp (NM_015284.4); short protein forms R1234W, R1177W.
Identifiers: ClinVar variation 662760 (VCV000662760.18), dbSNP rs776754646, ClinGen allele CA809068.

ClinVar aggregate classification (germline): Uncertain significance. Review status: criteria provided, multiple submitters, no conflicts (2 of 4 stars). 6 submissions from 6 submitters: Uncertain significance (6). Last evaluated 2024-11-18.

Conditions:
Developmental and epileptic encephalopathy, 18 (DEE18). Also called: Early infantile epileptic encephalopathy 18. Identifiers: Orphanet 369894, MedGen C3809624, MONDO:0014201, OMIM 615476.
Inborn genetic diseases. Identifiers: MedGen C0950123, MeSH D030342.

Allele frequency attached by ClinVar (database versions not stated): gnomAD 0.00001; ExAC 0.00002; TOPMed 0.00005.
gnomAD v4.1: 16 of 1,614,074 alleles (0.00099%); highest among the groups gnomAD compares: Middle Eastern, 0.016%; no homozygotes.

Submissions (6):

Labcorp Genetics (formerly Invitae), Labcorp
Classification: Uncertain significance. Last evaluated: 2024-11-18. Review status: criteria provided, single submitter. Criteria: Invitae Variant Classification Sherloc (09022015). Collection method: clinical testing. Allele origin: germline.
Comment: This sequence change replaces arginine, which is basic and polar, with tryptophan, which is neutral and slightly polar, at codon 1177 of the SZT2 protein (p.Arg1177Trp). This variant is present in population databases (rs776754646, gnomAD 0.003%). This variant has not been reported in the literature in individuals affected with SZT2-related conditions. ClinVar contains an entry for this variant (Variation ID: 662760). Invitae Evidence Modeling of protein sequence and biophysical properties (such as structural, functional, and spatial information, amino acid conservation, physicochemical variation, residue mobility, and thermodynamic stability) indicates that this missense variant is expected to disrupt SZT2 protein function with a positive predictive value of 80%. In summary, the available evidence is currently insufficient to determine the role of this variant in disease. Therefore, it has been classified as a Variant of Uncertain Significance.

Blueprint Genetics
Classification: Uncertain significance. Last evaluated: 2024-11-14. Review status: criteria provided, single submitter. Criteria: ACMG Guidelines, 2015. Collection method: clinical testing. Allele origin: germline.

Genome-Nilou Lab
Classification: Uncertain significance for Developmental and epileptic encephalopathy, 18. Last evaluated: 2023-04-11. Review status: criteria provided, single submitter. Criteria: ACMG Guidelines, 2015. Collection method: clinical testing. Allele origin: germline. Affected: no.

Ambry Genetics
Classification: Uncertain significance for Inborn genetic diseases. Last evaluated: 2022-05-30. Review status: criteria provided, single submitter. Criteria: Ambry Variant Classification Scheme 2023. Collection method: clinical testing. Allele origin: germline.

GeneDx
Classification: Uncertain significance. Last evaluated: 2020-01-17. Review status: criteria provided, single submitter. Criteria: GeneDx Variant Classification Process June 2021. Collection method: clinical testing. Allele origin: germline. Affected: yes.
Comment: Not observed at a significant frequency in large population cohorts (Lek et al., 2016); In silico analysis, which includes protein predictors and evolutionary conservation, supports a deleterious effect; Has not been previously published as pathogenic or benign to our knowledge

Mayo Clinic Laboratories, Mayo Clinic
Classification: Uncertain significance. Last evaluated: 2019-04-15. Review status: criteria provided, single submitter. Criteria: ACMG Guidelines, 2015. Collection method: clinical testing. Allele origin: germline. Observed: 1 variant allele.